The following is an entry in ClinVar:

ClinVar aggregate classification (germline): Uncertain significance (0 of 4 stars; one submission).

Conditions:
ITSN1-related disorder. Also called: ITSN1-related condition.

Allele frequency attached by ClinVar (database versions not stated): ExAC 0.00001.
gnomAD v4.1: 1 of 1,614,188 alleles (0.000062%); no homozygotes.

Submission:

PreventionGenetics, part of Exact Sciences
Classification: Uncertain significance for ITSN1-related condition. Last evaluated: 2024-02-29. Review status: no assertion criteria provided. Collection method: clinical testing. Allele origin: germline.
Comment: The ITSN1 c.2836C>G variant is predicted to result in the amino acid substitution p.Gln946Glu. To our knowledge, this variant has not been reported in the literature. This variant is reported in 0.00088% of alleles in individuals of European (Non-Finnish) descent in gnomAD. At this time, the clinical significance of this variant is uncertain due to the absence of conclusive functional and genetic evidence.

NM_003024.3(ITSN1):c.2836C>G (p.Gln946Glu)

Gene: ITSN1 (intersectin 1; plus strand). Cytogenetic location: 21q22.11.
Variant type: single nucleotide variant.
Coding change: c.2836C>G on transcript NM_003024.3 (MANE Select); coding-DNA position 2836, C replaced by G.
Protein change: p.Gln946Glu; replaces glutamine 946 with glutamic acid.
Molecular consequence: missense variant.
Genome position (GRCh38, 1-based): chr21:33,818,375, C>G. VCF-style: chr21-33818375-C-G. GRCh37 (hg19) VCF-style: chr21-35190679-C-G.
Other names: c.2836C>G, p.Gln946Glu (NM_001001132.2, NM_001331008.2); c.2821C>G, p.Gln941Glu (NM_001331009.2, NM_001331010.2, NM_001331011.2); c.2710C>G, p.Gln904Glu (NM_001331012.2); short protein forms Q904E, Q941E, Q946E.
Identifiers: ClinVar variation 3054846 (VCV003054846.2), dbSNP rs777273587, ClinGen allele CA10011964.